The following is an entry in ClinVar:

NM_017777.4(MKS1):c.339G>C (p.Lys113Asn)

Gene: MKS1 (MKS transition zone complex subunit 1; minus strand). Cytogenetic location: 17q22.
Variant type: single nucleotide variant.
Coding change: c.339G>C on transcript NM_017777.4 (MANE Select); coding-DNA position 339, G replaced by C.
Protein change: p.Lys113Asn; replaces lysine 113 with asparagine.
Molecular consequence: missense variant. On other transcripts: 5 prime UTR variant (1).
Genome position (GRCh38, 1-based): chr17:58,216,166, C>G on the plus strand (G>C on the coding strand, the complement: MKS1 is on the minus strand). VCF-style: chr17-58216166-C-G. GRCh37 (hg19) VCF-style: chr17-56293527-C-G.
Other names: c.-173G>C (NM_001321268.2); c.339G>C, p.Lys113Asn (NM_001321269.2, NM_001330397.2, NM_001411113.1); short protein forms K113N.
Identifiers: ClinVar variation 4991682 (VCV004991682.1).
Genomic context (GRCh38, chr17:58,216,166, plus strand): 5'-TCTATCAGAGTCAGTGTAGGTAAAGATTCGTCGGTTTTTCTTGCCACCCGAATTCTCCAG[C>G]TTCAGGATCTCCTGACGGTACTGATAATCCAAAGGACTCTGACAGGCTGTTTCATTTTGG-3'
Protein context (NP_060247.2, residues 103-123): LDYQYRQEIL[Lys113Asn]LENSGGKKNR

ClinVar aggregate classification (germline): Uncertain significance (1 of 4 stars; one submission).

Conditions:
MKS1-related disorder. Also called: MKS1-related disorders; MKS1-related condition. Identifiers: MedGen CN239382.

gnomAD v4.1: 1 of 1,614,156 alleles (0.000062%); no homozygotes.

Submission:

PreventionGenetics, part of Exact Sciences
Classification: Uncertain significance for MKS1-related condition. Last evaluated: 2025-10-06. Review status: criteria provided, single submitter. Criteria: ACMG Guidelines, 2015. Collection method: clinical testing. Allele origin: germline.
Comment: The MKS1 c.339G>C variant is predicted to result in the amino acid substitution p.Lys113Asn. To our knowledge, this variant has not been reported in the literature. This variant is reported in 0.0099% of alleles in individuals of Ashkenazi Jewish descent in gnomAD. At this time, the clinical significance of this variant is uncertain due to the absence of conclusive functional and genetic evidence.